The following is an entry in ClinVar:

ClinVar aggregate classification (germline): Likely benign (0 of 4 stars; one submission).

Conditions:
CNNM2-related disorder. Also called: CNNM2-related condition.

gnomAD v4.1: 2 of 1,613,246 alleles (0.00012%); highest among the groups gnomAD compares: Non-Finnish European, 0.00017%; no homozygotes.

Submission:

PreventionGenetics, part of Exact Sciences
Classification: Likely benign for CNNM2-related condition. Last evaluated: 2024-03-20. Review status: no assertion criteria provided. Collection method: clinical testing. Allele origin: germline.
Comment: This variant is classified as likely benign based on ACMG/AMP sequence variant interpretation guidelines (Richards et al. 2015 PMID: 25741868, with internal and published modifications).

NM_017649.5(CNNM2):c.1904-6C>A

Gene: CNNM2 (cyclin and CBS domain divalent metal cation transport mediator 2; plus strand). Cytogenetic location: 10q24.32.
Variant type: single nucleotide variant.
Coding change: c.1904-6C>A on transcript NM_017649.5 (MANE Select); 6 bases into the intron before coding-DNA position 1904, C replaced by A.
Molecular consequence: intron variant.
Genome position (GRCh38, 1-based): chr10:103,056,789, C>A. VCF-style: chr10-103056789-C-A. GRCh37 (hg19) VCF-style: chr10-104816546-C-A.
Other names: c.1904-6C>A (NM_199076.3).
Identifiers: ClinVar variation 3354562 (VCV003354562.1).